The following is an entry in ClinVar:

NM_001458.5(FLNC):c.5500C>T (p.His1834Tyr)

Genes: FLNC (filamin C; plus strand), FLNC-AS1 (FLNC antisense RNA 1; minus strand). Cytogenetic location: 7q32.1.
Variant type: single nucleotide variant.
Coding change: c.5500C>T on transcript NM_001458.5 (MANE Select); coding-DNA position 5500, C replaced by T.
Protein change: p.His1834Tyr; replaces histidine 1834 with tyrosine.
Molecular consequence: missense variant.
Genome position (GRCh38, 1-based): chr7:128,850,904, C>T. VCF-style: chr7-128850904-C-T. GRCh37 (hg19) VCF-style: chr7-128490958-C-T.
Other names: p.His1834Tyr; c.5401C>T, p.His1801Tyr (NM_001127487.2); short protein forms H1834Y, H1801Y.
Identifiers: ClinVar variation 472104 (VCV000472104.54), dbSNP rs377141822, ClinGen allele CA4475711.

ClinVar aggregate classification (germline): Conflicting classifications of pathogenicity. Review status: criteria provided, conflicting classifications (1 of 4 stars). 11 submissions from 11 submitters: Uncertain significance (8); Likely benign (3). Last evaluated 2026-07-06.

Conditions:
Cardiovascular phenotype. Identifiers: MedGen CN230736.
Hypertrophic cardiomyopathy 26. Also called: Cardiomyopathy, familial hypertrophic, 26. Identifiers: Orphanet 75249, MedGen C4310749, MONDO:0014883, OMIM 617047.
Myofibrillar myopathy 5. Also called: Filaminopathy (type); FILAMINOPATHY, AUTOSOMAL DOMINANT. Identifiers: Orphanet 171445, MedGen C1836050, MONDO:0012289, OMIM 609524.
Distal myopathy with posterior leg and anterior hand involvement. Also called: WILLIAMS DISTAL MYOPATHY. Identifiers: Orphanet 63273, MedGen C3279722, MONDO:0013550, OMIM 614065.
Familial long QT syndrome (RWS). Also called: Romano-Ward syndrome; Congenital long QT syndrome; VENTRICULAR FIBRILLATION WITH PROLONGED QT INTERVAL. Identifiers: Orphanet 768, MedGen C1141890, MONDO:0019171.
FLNC-related disorder. Also called: FLNC-related disorders; FLNC-related condition.

Allele frequency attached by ClinVar (database versions not stated): gnomAD 0.00011; gnomAD exomes 0.00004 and 0.00006; TOPMed 0.00005; ESP Exome Variant Server 0.00008; ExAC 0.00004.
gnomAD v4.1: 104 of 1,613,450 alleles (0.0064%); highest among the groups gnomAD compares: Non-Finnish European, 0.0084%; no homozygotes.

Submissions (11):

MVZ Martinsried, Medicover Genetics
Classification: Uncertain significance for Hypertrophic cardiomyopathy 26. Last evaluated: 2026-07-06. Review status: criteria provided, single submitter. Criteria: ClinGen Variant Curation SOP V3.2 + Classification Guidance July2025. Collection method: clinical testing. Allele origin: unknown. Affected: yes. Observed: 1 heterozygote.

CeGaT Center for Human Genetics Tuebingen
Classification: Likely benign. Last evaluated: 2026-06-01. Review status: criteria provided, single submitter. Criteria: CeGaT Center For Human Genetics Tuebingen Variant Classification Criteria Version 2. Collection method: clinical testing. Allele origin: germline. Affected: yes. Observed: 3 variant alleles.
Comment: FLNC: BS1

PreventionGenetics, part of Exact Sciences
Classification: Uncertain significance for FLNC-related condition. Last evaluated: 2026-03-02. Review status: criteria provided, single submitter. Criteria: ACMG Guidelines, 2015. Collection method: clinical testing. Allele origin: germline.
Comment: The FLNC c.5500C>T variant is predicted to result in the amino acid substitution p.His1834Tyr. This variant has been reported in three individuals from a cohort study of hypertrophic cardiomyopathy; one individual was asymptomatic, and the two symptomatic individuals also carried additional variants in the MYBPC3 gene (Table S1, Chumakova et al. 2023. PubMed ID: 38002985). This variant is reported in 0.012% of alleles in individuals of European (Non-Finnish) descent in gnomAD. At this time, the clinical significance of this variant is uncertain due to the absence of conclusive functional and genetic evidence.

Labcorp Genetics (formerly Invitae), Labcorp
Classification: Likely benign for Distal myopathy with posterior leg and anterior hand involvement; Myofibrillar myopathy 5; Hypertrophic cardiomyopathy 26. Last evaluated: 2026-01-14. Review status: criteria provided, single submitter. Criteria: Invitae Variant Classification Sherloc (09022015). Collection method: clinical testing. Allele origin: germline.

Petrovsky National Research Centre of Surgery, The Federal Agency for Scientific Organizations
Classification: Uncertain significance for Familial long QT syndrome. Last evaluated: 2025-10-31. Review status: criteria provided, single submitter. Criteria: ACMG Guidelines, 2015. Collection method: clinical testing. Allele origin: germline. Affected: yes.
Comment: This variant is in The Genome Aggregation Database (gnomAD) v4.1.0 with total MAF 0.00006446 (Date of access with 28-10-2025).

Mayo Clinic Laboratories, Mayo Clinic
Classification: Uncertain significance. Last evaluated: 2025-10-23. Review status: criteria provided, single submitter. Criteria: ACMG Guidelines, 2015. Collection method: clinical testing. Allele origin: germline. Observed: 1 variant allele.

Blueprint Genetics
Classification: Likely benign. Last evaluated: 2024-04-16. Review status: criteria provided, single submitter. Criteria: ACMG Guidelines, 2015. Collection method: clinical testing. Allele origin: germline.

GeneDx
Classification: Uncertain significance. Last evaluated: 2023-06-12. Review status: criteria provided, single submitter. Criteria: GeneDx Variant Classification Process June 2021. Collection method: clinical testing. Allele origin: germline. Affected: yes.
Comment: In silico analysis supports that this missense variant has a deleterious effect on protein structure/function; Has not been previously published as pathogenic or benign to our knowledge

Ambry Genetics
Classification: Uncertain significance for Cardiovascular phenotype. Last evaluated: 2023-03-24. Review status: criteria provided, single submitter. Criteria: Ambry Variant Classification Scheme 2023. Collection method: clinical testing. Allele origin: germline.
Comment: The p.H1834Y variant (also known as c.5500C>T), located in coding exon 33 of the FLNC gene, results from a C to T substitution at nucleotide position 5500. The histidine at codon 1834 is replaced by tyrosine, an amino acid with similar properties. This amino acid position is highly conserved in available vertebrate species. In addition, this alteration is predicted to be deleterious by in silico analysis. Since supporting evidence is limited at this time, the clinical significance of this alteration remains unclear.

Revvity Omics, Revvity
Classification: Uncertain significance. Last evaluated: 2023-02-27. Review status: criteria provided, single submitter. Criteria: ACMG Guidelines, 2015. Collection method: clinical testing. Allele origin: germline.

Department of Pathology and Laboratory Medicine, Sinai Health System
Classification: Uncertain significance for Myofibrillar myopathy 5; Distal myopathy with posterior leg and anterior hand involvement; Hypertrophic cardiomyopathy 26. Last evaluated: 2022-06-27. Review status: criteria provided, single submitter. Criteria: ACMG Guidelines, 2015. Collection method: research. Allele origin: germline.

Literature cited by the submitters: PubMed 38002985 (cited by Mayo Clinic Laboratories, Mayo Clinic).